The following is an entry in ClinVar:

NM_198578.4(LRRK2):c.4540C>T (p.Arg1514Ter)

Gene: LRRK2 (leucine rich repeat kinase 2; plus strand). Cytogenetic location: 12q12.
Variant type: single nucleotide variant.
Coding change: c.4540C>T on transcript NM_198578.4 (MANE Select); coding-DNA position 4540, C replaced by T.
Protein change: p.Arg1514Ter; replaces arginine 1514 with a stop codon.
Molecular consequence: nonsense.
Genome position (GRCh38, 1-based): chr12:40,313,975, C>T. VCF-style: chr12-40313975-C-T. GRCh37 (hg19) VCF-style: chr12-40707777-C-T.
Other names: short protein forms R1514*.
Identifiers: ClinVar variation 1711338 (VCV001711338.30), dbSNP rs758648533, ClinGen allele CA6514216.
Genomic context (GRCh38, chr12:40,313,975, plus strand): 5'-TTTGACAAATACACAAATAAAATAGATTTTTACGGCTTGTCATTTGTAATTTCATAGATC[C>T]GAGATCAGCTTGTTGTTGGACAGCTGATTCCAGACTGCTATGTAGAACTTGAAAAAATCA-3'

ClinVar aggregate classification (germline): Uncertain significance (1 of 4 stars; one submission).

Allele frequency attached by ClinVar (database versions not stated): ExAC 0.00001; gnomAD exomes 0.00001; gnomAD 0.00003; TOPMed 0.00004.
gnomAD v4.1: 13 of 1,609,712 alleles (0.00081%); highest among the groups gnomAD compares: African/African-American, 0.0013%; no homozygotes.

Submission:

CeGaT Center for Human Genetics Tuebingen
Classification: Uncertain significance. Last evaluated: 2022-09-01. Review status: criteria provided, single submitter. Criteria: CeGaT Center For Human Genetics Tuebingen Variant Classification Criteria Version 2. Collection method: clinical testing. Allele origin: germline. Affected: yes. Observed: 1 variant allele.
Comment: LRRK2: PVS1:Moderate